The following is an entry in ClinVar:

GRCh37/hg19 17q11.2(chr17:29039844-30412788)x1

Genes: ADAP2 (ArfGAP with dual PH domains 2; plus strand), ATAD5 (ATPase family AAA domain containing 5; plus strand), COPRS (coordinator of PRMT5 and differentiation stimulator; minus strand), CRLF3 (cytokine receptor like factor 3; minus strand), EVI2A (ecotropic viral integration site 2A; minus strand) and 10 more. Cytogenetic location: 17q11.2.
Variant type: copy number loss.
Change: copy number 1 (one copy instead of two) of chr17:29,039,844-30,412,788 (1.37 Mb, GRCh37 coordinates, 1-based), cytogenetic band 17q11.2.
Identifiers: ClinVar variation 980153 (VCV000980153.2).

ClinVar aggregate classification (germline): Pathogenic (0 of 4 stars; one submission).

Submission:

Quest Diagnostics Nichols Institute San Juan Capistrano
Classification: Pathogenic. Last evaluated: 2021-03-01. Review status: no assertion criteria provided. Collection method: clinical testing. Allele origin: germline.
Comment: This deletion interval involves a number of OMIM/RefSeq annotated genes including NF1 and RNF135 and is expected to cause phenotypic and developmental abnormalities. This deletion is consistent with the NF1 microdeletion syndrome or 17q11.2 deletion syndrome (OMIM 613675). Approximately 5 to 20% of all patients with neurofibromatosis type I carry a hemizygous deletion of approximately 1.4 Mb involving the NF1 gene and additional genes in its flanking regions. This syndrome is often characterized by a more severe phenotype than that observed in the majority of NF1 patients. In particular, patients with NF1 microdeletion often show variable facial dysmorphism, intellectual disability, developmental delay, an excessive number of early-onset neurofibromas, and an increased risk for malignant peripheral nerve sheath tumors. Loss of the RNF135 gene has been implicated in the overgrowth phenotype (OMIM 614192 ; characterized by increased postnatal height and weight, macrocephaly, variable learning disability, and dysmorphic facial features) that is part of this contiguous gene deletion syndrome.